The following is an entry in ClinVar:

ClinVar aggregate classification (germline): Uncertain significance (1 of 4 stars; one submission).

Submission:

Labcorp Genetics (formerly Invitae), Labcorp
Classification: Uncertain significance. Last evaluated: 2025-10-06. Review status: criteria provided, single submitter. Criteria: Invitae Variant Classification Sherloc (09022015). Collection method: clinical testing. Allele origin: germline.
Comment: This sequence change replaces serine, which is neutral and polar, with arginine, which is basic and polar, at codon 659 of the ERCC5 protein (p.Ser659Arg). This variant is not present in population databases (gnomAD no frequency). This variant has not been reported in the literature in individuals affected with ERCC5-related conditions. An algorithm developed to predict the effect of missense changes on protein structure and function (PolyPhen-2) suggests that this variant is likely to be disruptive. In summary, the available evidence is currently insufficient to determine the role of this variant in disease. Therefore, it has been classified as a Variant of Uncertain Significance.

NM_000123.4(ERCC5):c.1975A>C (p.Ser659Arg)

Genes: BIVM-ERCC5 (BIVM-ERCC5 readthrough; plus strand), ERCC5 (ERCC excision repair 5, endonuclease; plus strand). Cytogenetic location: 13q33.1.
Variant type: single nucleotide variant.
Coding change: c.1975A>C on transcript NM_000123.4 (MANE Select); coding-DNA position 1975, A replaced by C.
Protein change: p.Ser659Arg; replaces serine 659 with arginine.
Molecular consequence: missense variant.
Genome position (GRCh38, 1-based): chr13:102,865,687, A>C. VCF-style: chr13-102865687-A-C. GRCh37 (hg19) VCF-style: chr13-103518037-A-C.
Other names: c.3337A>C, p.Ser1113Arg (NM_001204425.2); short protein forms S659R, S1113R.
Identifiers: ClinVar variation 4728424 (VCV004728424.1).
Genomic context (GRCh38, chr13:102,865,687, plus strand): 5'-TTTTGATTGTAGATGAAGTGACCTTTTAATTTTGGTACAGGAAGTTTCATTGAAGTGCAA[A>C]GTGTGATTAGTGATGAGGAACTTCAAGCAGAATTCCCTGAAACTTCCAAACCTCCCTCAG-3'
Protein context (NP_000114.3, residues 649-669): ESDGSFIEVQ[Ser659Arg]VISDEELQAE